The following is an entry in ClinVar:

ClinVar aggregate classification (germline): Uncertain significance (1 of 4 stars; one submission).

Conditions:
Neuronal ceroid lipofuscinosis 11. Also called: GRN-Related Neuronal Ceroid-Lipofuscinosis. Identifiers: Orphanet 314629, Orphanet 79262, MedGen C3539123, MONDO:0013866, OMIM 614706.
GRN-related frontotemporal lobar degeneration with Tdp43 inclusions (FTD2). Also called: GRN Frontotemporal Dementia; FRONTOTEMPORAL DEMENTIA WITH TDP43 INCLUSIONS, GRN-RELATED; DEMENTIA, HEREDITARY DYSPHASIC DISINHIBITION; FRONTOTEMPORAL LOBAR DEGENERATION WITH UBIQUITIN-POSITIVE INCLUSIONS; FTLD-TDP, GRN-RELATED. Identifiers: Orphanet 100070, Orphanet 282, MedGen C1843792, MONDO:0011842, OMIM 607485. Disease mechanism: loss of function.

Allele frequency attached by ClinVar (database versions not stated): gnomAD exomes 0.00001 and below 0.00001; TOPMed 0.00001; ExAC 0.00001; gnomAD 0.00001.
gnomAD v4.1: 13 of 1,613,800 alleles (0.00081%); highest among the groups gnomAD compares: South Asian, 0.0022%; no homozygotes.

Submission:

Labcorp Genetics (formerly Invitae), Labcorp
Classification: Uncertain significance for Neuronal ceroid lipofuscinosis 11; GRN-related frontotemporal lobar degeneration with Tdp43 inclusions. Last evaluated: 2024-10-18. Review status: criteria provided, single submitter. Criteria: Invitae Variant Classification Sherloc (09022015). Collection method: clinical testing. Allele origin: germline.
Comment: This sequence change replaces glutamic acid, which is acidic and polar, with lysine, which is basic and polar, at codon 132 of the GRN protein (p.Glu132Lys). This variant is present in population databases (rs770662203, gnomAD 0.004%). This variant has not been reported in the literature in individuals affected with GRN-related conditions. ClinVar contains an entry for this variant (Variation ID: 1514156). Invitae Evidence Modeling of protein sequence and biophysical properties (such as structural, functional, and spatial information, amino acid conservation, physicochemical variation, residue mobility, and thermodynamic stability) indicates that this missense variant is not expected to disrupt GRN protein function with a negative predictive value of 80%. In summary, the available evidence is currently insufficient to determine the role of this variant in disease. Therefore, it has been classified as a Variant of Uncertain Significance.

NM_002087.4(GRN):c.394G>A (p.Glu132Lys)

Gene: GRN (granulin precursor; plus strand). Cytogenetic location: 17q21.31.
Variant type: single nucleotide variant.
Coding change: c.394G>A on transcript NM_002087.4 (MANE Select); coding-DNA position 394, G replaced by A.
Protein change: p.Glu132Lys; replaces glutamic acid 132 with lysine.
Molecular consequence: missense variant.
Genome position (GRCh38, 1-based): chr17:44,350,272, G>A. VCF-style: chr17-44350272-G-A. GRCh37 (hg19) VCF-style: chr17-42427640-G-A.
Other names: short protein forms E132K.
Identifiers: ClinVar variation 1514156 (VCV001514156.6), dbSNP rs770662203, ClinGen allele CA8601873.
Genomic context (GRCh38, chr17:44,350,272, plus strand): 5'-GTCATCTTGTCCACAGGTAACAACTCCGTGGGTGCCATCCAGTGCCCTGATAGTCAGTTC[G>A]AATGCCCGGACTTCTCCACGTGCTGTGTTATGGTCGATGGCTCCTGGGGGTGCTGCCCCA-3'
Protein context (NP_002078.1, residues 122-142): GAIQCPDSQF[Glu132Lys]CPDFSTCCVM